The following is an entry in ClinVar:

NM_182961.4(SYNE1):c.9959C>T (p.Thr3320Met)

Gene: SYNE1 (spectrin repeat containing nuclear envelope protein 1; minus strand). Cytogenetic location: 6q25.2.
Variant type: single nucleotide variant.
Coding change: c.9959C>T on transcript NM_182961.4 (MANE Select); coding-DNA position 9959, C replaced by T.
Protein change: p.Thr3320Met; replaces threonine 3320 with methionine.
Molecular consequence: missense variant.
Genome position (GRCh38, 1-based): chr6:152,367,231, G>A on the plus strand (C>T on the coding strand, the complement: SYNE1 is on the minus strand). VCF-style: chr6-152367231-G-A. GRCh37 (hg19) VCF-style: chr6-152688366-G-A.
Other names: c.9980C>T (NM_033071.3); c.9980C>T, p.Thr3327Met (NM_033071.5); short protein forms T3327M, T3320M.
Identifiers: ClinVar variation 284805 (VCV000284805.16), dbSNP rs548283137, ClinGen allele CA4057151.

ClinVar aggregate classification (germline): Uncertain significance. Review status: criteria provided, multiple submitters, no conflicts (2 of 4 stars). 4 submissions from 4 submitters: Uncertain significance (4). Last evaluated 2023-12-29.

Conditions:
Autosomal recessive ataxia, Beauce type. Also called: Spinocerebellar ataxia, autosomal recessive 8; ATAXIA, RECESSIVE, OF BEAUCE; SYNE1-Related Autosomal Recessive Cerebellar Ataxia; SYNE1 Deficiency. Identifiers: Orphanet 88644, MedGen C1853116, MONDO:0012549, OMIM 610743.
Emery-Dreifuss muscular dystrophy 4, autosomal dominant (EDMD4). Also called: EMERY-DREIFUSS MUSCULAR DYSTROPHY 4 WITH VARIABLE FEATURES. Identifiers: Orphanet 261, MedGen C2751807, MONDO:0013071, OMIM 612998.

Allele frequency attached by ClinVar (database versions not stated): TOPMed 0.00002; gnomAD 0.00003; gnomAD exomes 0.00007; ExAC 0.00011; 1000 Genomes Project 30x 0.00016; 1000 Genomes Project 0.00020.
gnomAD v4.1: 84 of 1,614,168 alleles (0.0052%); highest among the groups gnomAD compares: Non-Finnish European, 0.0062%; no homozygotes.

Submissions (4):

Athena Diagnostics
Classification: Uncertain significance. Last evaluated: 2023-12-29. Review status: criteria provided, single submitter. Criteria: Athena Diagnostics Criteria. Collection method: clinical testing. Allele origin: unknown.
Comment: Available data are insufficient to determine the clinical significance of the variant at this time. The frequency of this variant in the general population is uninformative in assessment of its pathogenicity. Computational tools predict that this variant is not damaging.

Labcorp Genetics (formerly Invitae), Labcorp
Classification: Uncertain significance for Emery-Dreifuss muscular dystrophy 4, autosomal dominant; Autosomal recessive ataxia, Beauce type. Last evaluated: 2023-10-16. Review status: criteria provided, single submitter. Criteria: Invitae Variant Classification Sherloc (09022015). Collection method: clinical testing. Allele origin: germline.
Comment: This sequence change replaces threonine, which is neutral and polar, with methionine, which is neutral and non-polar, at codon 3327 of the SYNE1 protein (p.Thr3327Met). This variant is present in population databases (rs548283137, gnomAD 0.01%). This variant has not been reported in the literature in individuals affected with SYNE1-related conditions. ClinVar contains an entry for this variant (Variation ID: 284805). Algorithms developed to predict the effect of missense changes on protein structure and function output the following: SIFT: "Not Available"; PolyPhen-2: "Benign"; Align-GVGD: "Not Available". The methionine amino acid residue is found in multiple mammalian species, which suggests that this missense change does not adversely affect protein function. In summary, the available evidence is currently insufficient to determine the role of this variant in disease. Therefore, it has been classified as a Variant of Uncertain Significance.

Revvity Omics, Revvity
Classification: Uncertain significance. Last evaluated: 2020-02-19. Review status: criteria provided, single submitter. Criteria: ACMG Guidelines, 2015. Collection method: clinical testing. Allele origin: germline.

Eurofins Ntd Llc (ga)
Classification: Uncertain significance. Last evaluated: 2015-11-19. Review status: criteria provided, single submitter. Criteria: EGL Classification Definitions 2015. Collection method: clinical testing. Allele origin: germline. Observed: 1 variant allele, 1 heterozygote.